The following is an entry in ClinVar:

ClinVar aggregate classification (germline): Benign/Likely benign. Review status: criteria provided, multiple submitters, no conflicts (2 of 4 stars). 4 submissions from 4 submitters: Benign (1); Likely benign (3). Last evaluated 2025-11-17.

Conditions:
Hereditary cancer-predisposing syndrome. Also called: Hereditary neoplastic syndrome; Neoplastic Syndromes, Hereditary; Hereditary Cancer Syndrome; Tumor predisposition. Identifiers: Orphanet 140162, MedGen C0027672, MeSH D009386, MONDO:0015356.
Von Hippel-Lindau syndrome (VHLS). Also called: Von Hippel-Lindau; VHL syndrome; von Hippel–Lindau syndrome. Identifiers: Orphanet 892, MedGen C0019562, MONDO:0008667, OMIM 193300. Disease mechanism: loss of function.
Chuvash polycythemia. Also called: POLYCYTHEMIA, VHL-DEPENDENT. Identifiers: Orphanet 238557, MedGen C1837915, MONDO:0009892, OMIM 263400.
VHL-related disorder. Also called: VHL-related condition.

Allele frequency attached by ClinVar (database versions not stated): gnomAD exomes below 0.00001; TOPMed 0.00001.
gnomAD v4.1: 1 of 1,537,340 alleles (0.000065%); highest among the groups gnomAD compares: Non-Finnish European, 0.000088%; no homozygotes.

Submissions (4):

PreventionGenetics, part of Exact Sciences
Classification: Likely benign for VHL-related condition. Last evaluated: 2025-11-17. Review status: criteria provided, single submitter. Criteria: ACMG Guidelines, 2015. Collection method: clinical testing. Allele origin: germline.
Comment: This variant is classified as likely benign based on ACMG/AMP sequence variant interpretation guidelines (Richards et al. 2015 PMID: 25741868, with internal and published modifications).

Labcorp Genetics (formerly Invitae), Labcorp
Classification: Likely benign for Von Hippel-Lindau syndrome; Chuvash polycythemia. Last evaluated: 2025-07-02. Review status: criteria provided, single submitter. Criteria: Invitae Variant Classification Sherloc (09022015). Collection method: clinical testing. Allele origin: germline.

Myriad Genetics, Inc.
Classification: Benign for Von Hippel-Lindau syndrome. Last evaluated: 2025-06-10. Review status: criteria provided, single submitter. Criteria: Myriad Autosomal Dominant, Autosomal Recessive and X-Linked Classification Criteria (2023). Collection method: clinical testing. Allele origin: unknown.
Comment: This variant is considered benign. This variant is a silent/synonymous amino acid change and it is not expected to impact splicing.

Ambry Genetics
Classification: Likely benign for Hereditary cancer-predisposing syndrome. Last evaluated: 2021-11-02. Review status: criteria provided, single submitter. Criteria: Ambry Variant Classification Scheme 2023. Collection method: clinical testing. Allele origin: germline.

NM_000551.4(VHL):c.69C>T (p.Tyr23=)

Gene: VHL (von Hippel-Lindau tumor suppressor; plus strand). Cytogenetic location: 3p25.3.
Variant type: single nucleotide variant.
Coding change: c.69C>T on transcript NM_000551.4 (MANE Select); coding-DNA position 69, C replaced by T.
Protein change: p.Tyr23=; no amino-acid change (tyrosine 23 retained).
Molecular consequence: synonymous variant.
Genome position (GRCh38, 1-based): chr3:10,141,916, C>T. VCF-style: chr3-10141916-C-T. GRCh37 (hg19) VCF-style: chr3-10183600-C-T.
Other names: c.69C>T, p.Tyr23= (NM_001354723.2, NM_198156.3).
Identifiers: ClinVar variation 760478 (VCV000760478.15), dbSNP rs1553619313, ClinGen allele CA432536214.